The following is an entry in ClinVar:

ClinVar aggregate classification (germline): Uncertain significance (1 of 4 stars; one submission).

Conditions:
Inborn genetic diseases. Identifiers: MedGen C0950123, MeSH D030342.

Submission:

Ambry Genetics
Classification: Uncertain significance for Inborn genetic diseases. Last evaluated: 2024-04-24. Review status: criteria provided, single submitter. Criteria: Ambry Variant Classification Scheme 2023. Collection method: clinical testing. Allele origin: germline.
Comment: The p.R104K variant (also known as c.311G>A), located in coding exon 4 of the BUB1B gene, results from a G to A substitution at nucleotide position 311. The arginine at codon 104 is replaced by lysine, an amino acid with highly similar properties. This amino acid position is conserved. In addition, the in silico prediction for this alteration is inconclusive. Based on the available evidence, the clinical significance of this variant remains unclear.

NM_001211.6(BUB1B):c.311G>A (p.Arg104Lys)

Gene: BUB1B (BUB1 mitotic checkpoint serine/threonine kinase B; plus strand). Cytogenetic location: 15q15.1.
Variant type: single nucleotide variant.
Coding change: c.311G>A on transcript NM_001211.6 (MANE Select); coding-DNA position 311, G replaced by A.
Protein change: p.Arg104Lys; replaces arginine 104 with lysine.
Molecular consequence: missense variant.
Genome position (GRCh38, 1-based): chr15:40,170,608, G>A. VCF-style: chr15-40170608-G-A. GRCh37 (hg19) VCF-style: chr15-40462809-G-A.
Other names: short protein forms R104K.
Identifiers: ClinVar variation 3262244 (VCV003262244.1).